The following is an entry in ClinVar:

ClinVar aggregate classification (germline): Uncertain significance (1 of 4 stars; one submission).

Conditions:
TRIOBP-related disorder. Also called: TRIOBP-related condition.

Allele frequency attached by ClinVar (database versions not stated): gnomAD 0.00001; gnomAD exomes 0.00001; TOPMed 0.00002; ExAC 0.00003.
gnomAD v4.1: 18 of 1,612,342 alleles (0.0011%); highest among the groups gnomAD compares: African/African-American, 0.0053%; no homozygotes.

Submission:

PreventionGenetics, part of Exact Sciences
Classification: Uncertain significance for TRIOBP-related condition. Last evaluated: 2022-10-26. Review status: criteria provided, single submitter. Criteria: ACMG Guidelines, 2015. Collection method: clinical testing. Allele origin: germline.
Comment: The TRIOBP c.3758G>A variant is predicted to result in the amino acid substitution p.Arg1253Gln. To our knowledge, this variant has not been reported in the literature. This variant is reported in 0.014% of alleles in individuals of African descent in gnomAD. At this time, the clinical significance of this variant is uncertain due to the absence of conclusive functional and genetic evidence.

NM_001039141.3(TRIOBP):c.3758G>A (p.Arg1253Gln)

Gene: TRIOBP (TRIO and F-actin binding protein; plus strand). Cytogenetic location: 22q13.1.
Variant type: single nucleotide variant.
Coding change: c.3758G>A on transcript NM_001039141.3 (MANE Select); coding-DNA position 3758, G replaced by A.
Protein change: p.Arg1253Gln; replaces arginine 1253 with glutamine.
Molecular consequence: missense variant.
Genome position (GRCh38, 1-based): chr22:37,726,314, G>A. VCF-style: chr22-37726314-G-A. GRCh37 (hg19) VCF-style: chr22-38122321-G-A.
Other names: short protein forms R1253Q.
Identifiers: ClinVar variation 2637326 (VCV002637326.1), dbSNP rs762686043, ClinGen allele CA10224204.
Genomic context (GRCh38, chr22:37,726,314, plus strand): 5'-CACCCAGTGACCTAGCGTTCCTGGCACCCTCACCTTCACCGGGCAGCTCTGGGGGCTCCC[G>A]GGGCTCAGCGCCTCCCGGGGAGACCAGGCACAACTTGGAGCGGGAGGAGTACACTGTGCT-3'
Protein context (NP_001034230.1, residues 1243-1263): SPSPGSSGGS[Arg1253Gln]GSAPPGETRH